The following is an entry in ClinVar:

NM_000543.5(SMPD1):c.451_452del (p.Val152fs)

Gene: SMPD1 (sphingomyelin phosphodiesterase 1; plus strand). Cytogenetic location: 11p15.4.
Variant type: Deletion.
Coding change: c.451_452del on transcript NM_000543.5 (MANE Select); coding-DNA positions 451 to 452, 2 bases deleted (TC; older notation c.451_452delTC).
Protein change: p.Val152fs; shifts the reading frame from valine 152.
Molecular consequence: frameshift variant. On other transcripts: 5 prime UTR variant (1), non-coding transcript variant (1).
Genome position (GRCh38, 1-based): chr11:6,391,516-6,391,517, TC deleted; deleting any 2 consecutive bases within chr11:6,391,515-6,391,517 gives the same sequence; the c. name uses the placement nearest the transcript's 3' end. VCF-style (leftmost placement, unchanged base first): chr11-6391514-GCT-G. GRCh37 (hg19) VCF-style: chr11-6412744-GCT-G.
Other names: c.448_449del, p.Val151fs (NM_001007593.3); c.451_452del, p.Val152fs (NM_001318087.2, NM_001365135.2); c.-511_-510del (NM_001318088.2); short protein forms V151fs, V152fs.
Identifiers: ClinVar variation 1724892 (VCV001724892.3), dbSNP rs2493804165, ClinGen allele CA2580083959.

ClinVar aggregate classification (germline): Likely pathogenic (1 of 4 stars; one submission).

Conditions:
Acid sphingomyelinase deficiency. Identifiers: Orphanet 618899, MedGen C5243927, MONDO:0100464.

Submission:

Myriad Genetics, Inc.
Classification: Likely pathogenic for Acid sphingomyelinase deficiency. Last evaluated: 2022-03-02. Review status: criteria provided, single submitter. Criteria: Myriad Autosomal Dominant, Autosomal Recessive and X-Linked Classification Criteria (2023). Collection method: clinical testing. Allele origin: unknown.
Comment: NM_000543.4(SMPD1):c.451_452delTC(V152Afs*5) is expected to be pathogenic in the context of Niemann-Pick disease, SMPD1-related. This variant is predicted to lead to an abnormal or absent protein product due to the creation of a premature termination codon in SMPD1, a gene where loss-of-function variants are known to be pathogenic. Please note: this variant was assessed in the context of healthy population screening.